The following continues an entry in ClinVar:

NM_000432.4(MYL2):c.64G>A (p.Glu22Lys)

ClinVar aggregate classification (germline): Pathogenic/Likely pathogenic. Pathogenic (15); Likely pathogenic (5).

Submissions 7 to 21 of 26:

All of Us Research Program, National Institutes of Health
Classification: Pathogenic for Hypertrophic cardiomyopathy. Last evaluated: 2024-07-10. Review status: criteria provided, single submitter. Criteria: ACMG Guidelines, 2015. Collection method: clinical testing. Allele origin: germline. Inheritance: Autosomal dominant inheritance. Observed: 9 variant alleles, 9 heterozygotes.
Comment: This missense variant replaces glutamic acid with lysine at codon 22 of the MYL2 protein. Computational prediction tools indicate that this variant has a deleterious impact on protein structure and function. A transgenic mouse model has shown that this variant causes a phenotype consistent with hypertrophic cardiomyopathy, including decline in rigor tension and enhanced actin-activated myosin ATPase activity (PMID: 33548158). Additional functional studies have shown that this variant affects protein function by altering calcium sensitivity of force and ATPase activity in vitro and in transgenic mice (PMID: 12668451, 14594949, 16076902, 17606808, 25324513). This variant has been reported in over 40 individuals affected with hypertrophic cardiomyopathy from over 20 families (PMID: 8673105, 12404107, 26497160, 27532257, 33495596, 33495597, 33673806; ClinVar SCV000203862.4). This variant has shown reduced penetrance and late-onset disease with moderate symptoms in some individuals. A study of 38 carriers from 14 Dutch families has suggested that this variant together with the presence of an additional risk factor, such as hypertension, contributes to the development of hypertrophic cardiomyopathy (PMID: 26497160). This variant has been identified in 5/251472 chromosomes in the general population by the Genome Aggregation Database (gnomAD). Based on the available evidence, this variant is classified as Pathogenic.

This study involves interpretation of variants in research participants for the purpose of population health screening. Participant phenotype was not available at the time of variant classification. Additional details can be found in publication PMID: 35346344, PMCID: PMC8962531

Color Diagnostics, LLC DBA Color Health
Classification: Pathogenic for Cardiomyopathy. Last evaluated: 2024-04-12. Review status: criteria provided, single submitter. Criteria: ACMG Guidelines, 2015. Collection method: clinical testing. Allele origin: germline.
Comment: This missense variant replaces glutamic acid with lysine at codon 22 of the MYL2 protein. Computational prediction tools indicate that this variant has a deleterious impact on protein structure and function. A transgenic mouse model has shown that this variant causes a phenotype consistent with hypertrophic cardiomyopathy, including decline in rigor tension and enhanced actin-activated myosin ATPase activity (PMID: 33548158). Additional functional studies have shown that this variant affects protein function by altering calcium sensitivity of force and ATPase activity in vitro and in transgenic mice (PMID: 12668451, 14594949, 16076902, 17606808, 25324513). This variant has been reported in over 40 individuals affected with hypertrophic cardiomyopathy from over 20 families (PMID: 8673105, 12404107, 26497160, 27532257, 33495596, 33495597, 33673806; ClinVar SCV000203862.4). This variant has shown reduced penetrance and late-onset disease with moderate symptoms in some individuals. A study of 38 carriers from 14 Dutch families has suggested that this variant together with the presence of an additional risk factor, such as hypertension, contributes to the development of hypertrophic cardiomyopathy (PMID: 26497160). This variant has been identified in 5/251472 chromosomes in the general population by the Genome Aggregation Database (gnomAD). Based on the available evidence, this variant is classified as Pathogenic.

Molecular Genetics, Royal Melbourne Hospital
Classification: Likely pathogenic for Hypertrophic cardiomyopathy. Last evaluated: 2023-07-07. Review status: criteria provided, single submitter. Criteria: ACMG Guidelines, 2015. Collection method: clinical testing. Allele origin: germline. Inheritance: Autosomal dominant inheritance.
Comment: This sequence change in MYL2 is predicted to replace glutamic acid with lysine at codon 22, p.(Glu22Lys). The glutamic acid residue is highly conserved (100 vertebrates, UCSC). There is a small physicochemical difference between glutamic acid and lysine. The highest population minor allele frequency in the population database gnomAD v2.1 is 0.006% (2/34,590 alleles) in the Latino/Admixed American population. The prevalence of the variant in affected individuals is significantly increased compared with the prevalence in controls (odds ratio = 8.4, 95 % CI:1.64 to 43.5; VariantFX Cardiac Allele Frequencies, DECIPHER vs gnomAD v2.1 Latino/Admixed American population). The variant has been reported to segregate with cardiomyopathy across multiple affected families and is associated with incomplete penetrance and later onset of hypertrophic cardiomyopathy (PMID: 26497160). In vitro functional assays and transgenic mouse models showed a significant change in the calcium-binding properties for this variant indicating it impacts protein function (PMID: 11102452, 16076902, 17606808, 14594949, 12668451). Computational evidence predicts a deleterious effect for the missense substitution (REVEL = 0.714). Based on the classification scheme RMH Modified ACMG/AMP Guidelines v1.6.1, this variant is classified as LIKELY PATHOGENIC. Following criteria are met: PP1_Strong, PP3, PS3_Moderate, PS4_Moderate

Institute for Clinical Genetics, University Hospital TU Dresden, University Hospital TU Dresden
Classification: Pathogenic. Last evaluated: 2022-12-13. Review status: criteria provided, single submitter. Criteria: ACMG Guidelines, 2015. Collection method: clinical testing. Allele origin: germline.
Comment: PS4, PP3, PM2_SUP, PS3

Blueprint Genetics
Classification: Pathogenic for MYL2-related disorders. Last evaluated: 2022-12-09. Review status: criteria provided, single submitter. Criteria: ACMG Guidelines, 2015. Collection method: clinical testing. Allele origin: germline. Affected: yes. Observed: 5 variant alleles.

CeGaT Center for Human Genetics Tuebingen
Classification: Pathogenic. Last evaluated: 2022-09-01. Review status: criteria provided, single submitter. Criteria: CeGaT Center For Human Genetics Tuebingen Variant Classification Criteria Version 2. Collection method: clinical testing. Allele origin: germline. Affected: yes. Observed: 1 variant allele.
Comment: MYL2: PP1:Strong, PM1, PM2, PS4:Moderate

GeneDx
Classification: Pathogenic. Last evaluated: 2022-04-04. Review status: criteria provided, single submitter. Criteria: GeneDx Variant Classification Process June 2021. Collection method: clinical testing. Allele origin: germline. Affected: yes.
Comment: Haplotype analysis suggests this variant is a founder mutation in the Dutch population (Claes et al., 2016); Not observed at significant frequency in large population cohorts (gnomAD); Published functional studies demonstrate that E22K alters MYL2 function (Szczesna et al., 2001; Szczesna-Cordary et al., 2004; Roopnarine et al., 2003; Szczesna-Cordary et al., 2007, Farman et al., 2014; Zhang et al., 2021); In silico analysis supports that this missense variant has a deleterious effect on protein structure/function; This variant is associated with the following publications: (PMID: 14594949, 16751284, 9724616, 31513939, 17606808, 12668451, 25324513, 8673105, 12404107, 21310275, 27532257, 28166811, 28138913, 27435932, 28606303, 26497160, 28790153, 16076902, 30605904, 21896538, 10948063, 30847666, 33673806, 32665702, 32880476, 33087929, 33662488, 11102452, 33548158)

CHEO Genetics Diagnostic Laboratory, Children's Hospital of Eastern Ontario
Classification: Likely pathogenic for Cardiomyopathy. Last evaluated: 2022-03-28. Review status: criteria provided, single submitter. Criteria: ACMG Guidelines, 2015. Collection method: clinical testing. Allele origin: germline.

AiLife Diagnostics
Classification: Pathogenic. Last evaluated: 2022-01-03. Review status: criteria provided, single submitter. Criteria: ACMG Guidelines, 2015. Collection method: clinical testing. Allele origin: germline. Affected: yes. Observed: 1 variant allele.

Laboratory for Molecular Medicine, Mass General Brigham Personalized Medicine
Classification: Pathogenic for Hypertrophic cardiomyopathy. Last evaluated: 2019-09-24. Review status: criteria provided, single submitter. Criteria: LMM Criteria. Collection method: clinical testing. Allele origin: germline. Inheritance: Autosomal dominant inheritance. Observed: 1 variant allele.
Comment: The p.Glu22Lys variant in MYL2 has been reported in >25 individuals with HCM and segregated in >20 affected relatives (Ãlvarez-Acosta 2014, Claes 2015, Poetter 1996, Kabaeva 2002, Walsh 2017, LMM data). This variant reportedly did not segregate with disease in several affected relatives, though at least 4 of these individuals were reported to have additional risk factors or carried additional variants in cardiomyopathy related genes (Alvarez-Acosta 2014, Claes 2015). This variant has also been identified in 5/251472 chromosomes by gnomAD and had been reported in ClinVar (Variation ID #14065). Multiple in vitro and transgenic animal studies have shown that the p.Glu22Lys variant impacts protein function (Levine 1998, Roopnarine 2003, Szczesna 2001, Szczsna-Cordary 2004, Szczsna-Cordary 2007). In summary, this variant meets criteria to be classified as pathogenic for autosomal dominant HCM. ACMG/AMP Criteria applied: PS4, PP1_Strong, PS3_Moderate, PM2.

Center for Human Genetics, University of Leuven
Classification: Pathogenic for Hypertrophic cardiomyopathy. Last evaluated: 2018-10-31. Review status: criteria provided, single submitter. Criteria: ACMG Guidelines, 2015. Collection method: clinical testing. Allele origin: germline. Affected: yes.

Genome Diagnostics Laboratory, University Medical Center Utrecht
Classification: Pathogenic for Hypertrophic cardiomyopathy 10. Last evaluated: 2017-07-28. Review status: criteria provided, single submitter. Criteria: ACGS Guidelines, 2013. Collection method: clinical testing. Allele origin: germline. Affected: yes. Study: VKGL Data-share Consensus.

Center for Medical Genetics Ghent, University of Ghent
Classification: Likely pathogenic for Hypertrophic cardiomyopathy 10. Last evaluated: 2016-07-15. Review status: criteria provided, single submitter. Criteria: ACMG Guidelines, 2015. Collection method: clinical testing. Allele origin: germline. Affected: yes.

Clinical Genetics DNA and cytogenetics Diagnostics Lab, Erasmus MC, Erasmus Medical Center
Classification: Pathogenic for Hypertrophic cardiomyopathy 10. Last evaluated: 2015-09-21. Review status: criteria provided, single submitter. Criteria: ACGS Guidelines, 2013. Collection method: clinical testing. Allele origin: germline. Affected: yes. Study: VKGL Data-share Consensus.

Forensic Genetics Laboratory, Harris County Institute of Forensic Sciences
Classification: Pathogenic for Death in early adulthood. Last evaluated: 2015-03-27. Review status: no assertion criteria provided. Collection method: clinical testing. Allele origin: unknown. Affected: yes. Observed: 1 heterozygote. Study: HCIFS-Postmortem genetic screening project. Not counted in ClinVar's aggregate classification.